The following is an entry in ClinVar:

ClinVar aggregate classification (germline): Uncertain significance (1 of 4 stars; one submission).

Conditions:
Hereditary cancer-predisposing syndrome. Also called: Neoplastic Syndromes, Hereditary; Tumor predisposition; Hereditary Cancer Syndrome; Hereditary neoplastic syndrome. Identifiers: Orphanet 140162, MedGen C0027672, MeSH D009386, MONDO:0015356.

Submission:

Ambry Genetics
Classification: Uncertain significance for Hereditary cancer-predisposing syndrome. Last evaluated: 2025-09-04. Review status: criteria provided, single submitter. Criteria: Ambry Variant Classification Scheme 2023. Collection method: clinical testing. Allele origin: germline.
Comment: The p.L345Q variant (also known as c.1034T>A), located in coding exon 8 of the BMPR1A gene, results from a T to A substitution at nucleotide position 1034. The leucine at codon 345 is replaced by glutamine, an amino acid with dissimilar properties. This amino acid position is conserved. In addition, this alteration is predicted to be deleterious by in silico analysis. Based on the available evidence, the clinical significance of this variant remains unclear.

NM_004329.3(BMPR1A):c.1034T>A (p.Leu345Gln)

Gene: BMPR1A (bone morphogenetic protein receptor type 1A; plus strand). Cytogenetic location: 10q23.2.
Variant type: single nucleotide variant.
Coding change: c.1034T>A on transcript NM_004329.3 (MANE Select); coding-DNA position 1034, T replaced by A.
Protein change: p.Leu345Gln; replaces leucine 345 with glutamine.
Molecular consequence: missense variant. On other transcripts: non-coding transcript variant (3).
Genome position (GRCh38, 1-based): chr10:86,919,337, T>A. VCF-style: chr10-86919337-T-A. GRCh37 (hg19) VCF-style: chr10-88679094-T-A.
Other names: c.1034T>A, p.Leu345Gln (NM_001406577.1, NM_001406561.1, NM_001406562.1 and 19 more transcripts); c.1109T>A, p.Leu370Gln (NM_001406559.1); c.1082T>A, p.Leu361Gln (NM_001406560.1); c.950T>A, p.Leu317Gln (NM_001406587.1, NM_001406588.1, NM_001406584.1 and 2 more transcripts); c.692T>A, p.Leu231Gln (NM_001406589.1); c.1028T>A, p.Leu343Gln (NM_001406583.1); short protein forms L231Q, L317Q, L343Q, L361Q, L370Q, L345Q.
Identifiers: ClinVar variation 4214383 (VCV004214383.1).